The following is an entry in ClinVar:

ClinVar aggregate classification (germline): Benign. Review status: reviewed by expert panel (3 of 4 stars). 3 submissions from 3 submitters: Benign (1). 2 of the submissions do not count toward it. Last evaluated 2015-01-12.

Conditions:
Breast-ovarian cancer, familial, susceptibility to, 1 (BROVCA1). Also called: BRCA1 Hereditary Breast and Ovarian Cancer; OVARIAN CANCER, SUSCEPTIBILITY TO. Identifiers: Orphanet 145, MedGen C2676676, MONDO:0011450, OMIM 604370. Disease mechanism: loss of function.

Allele frequency attached by ClinVar (database versions not stated): 1000 Genomes Project 0.03355; 1000 Genomes Project 30x 0.03389; TOPMed 0.05366; gnomAD 0.05701 and 0.05802.
gnomAD v4.1: 8,685 of 152,306 alleles (5.7%); highest among the groups gnomAD compares: Middle Eastern, 7.8%; 345 homozygotes.

Submissions (3):

Evidence-based Network for the Interpretation of Germline Mutant Alleles (ENIGMA)
Classification: Benign for Breast-ovarian cancer, familial 1. Last evaluated: 2015-01-12. Review status: reviewed by expert panel. Criteria: ENIGMA BRCA1/2 Classification Criteria (2015). Collection method: curation. Allele origin: germline.
Comment: Class 1 not pathogenic based on frequency >1% in an outbred sampleset. Frequency 0.01016 (African), 0.08443 (European), derived from 1000 genomes (2012-04-30).

GeneDx
Classification: Benign. Last evaluated: 2018-06-24. Review status: criteria provided, single submitter. Criteria: GeneDx Variant Classification Process June 2021. Collection method: clinical testing. Allele origin: germline. Affected: yes. Not counted in ClinVar's aggregate classification.

Breakthrough Genomics
Classification: Benign. Review status: criteria provided, single submitter. Criteria: ACMG Guidelines, 2015. Collection method: not provided. Allele origin: germline. Inheritance: Autosomal recessive inheritance. Affected: yes. Not counted in ClinVar's aggregate classification.

NM_007294.4(BRCA1):c.5075-238A>G

Gene: BRCA1 (BRCA1 DNA repair associated; minus strand). Cytogenetic location: 17q21.31.
Variant type: single nucleotide variant.
Coding change: c.5075-238A>G on transcript NM_007294.4 (MANE Select); 238 bases into the intron before coding-DNA position 5075, A replaced by G.
Molecular consequence: intron variant.
Genome position (GRCh38, 1-based): chr17:43,064,189, T>C on the plus strand (A>G on the coding strand, the complement: BRCA1 is on the minus strand). VCF-style: chr17-43064189-T-C. GRCh37 (hg19) VCF-style: chr17-41216206-T-C.
Other names: IVS 17-238A>G; c.1643-238A>G (NM_001408429.1, NM_001408426.1, NM_001408430.1 and 4 more transcripts); c.4946-238A>G (NM_001407683.1, NM_001407686.1, NM_001407685.1 and 6 more transcripts); c.4949-238A>G (NM_001407674.1, NM_001407939.1, NM_001407677.1 and 10 more transcripts); c.4952-238A>G (NM_001407919.1, NM_001407937.1, NM_001407669.1 and 6 more transcripts); c.1763-238A>G (NM_001407979.1, NM_001407982.1, NM_001407980.1 and 12 more transcripts); c.1766-238A>G (NM_001407977.1, NM_001407976.1, NM_001407974.1 and 3 more transcripts); c.5069-238A>G (NM_001407642.1, NM_001407634.1, NM_001407632.1 and 14 more transcripts); and 74 more.
Identifiers: ClinVar variation 209323 (VCV000209323.5), dbSNP rs8176256, ClinGen allele CA276295.